The following is an entry in ClinVar:

ClinVar aggregate classification (germline): Likely pathogenic (0 of 4 stars; one submission).

Conditions:
ALMS1-related disorder. Also called: ALMS1-related condition.

Submission:

PreventionGenetics, part of Exact Sciences
Classification: Likely pathogenic for ALMS1-related condition. Last evaluated: 2024-03-08. Review status: no assertion criteria provided. Collection method: clinical testing. Allele origin: germline.
Comment: The ALMS1 c.9406_9413del8 variant is predicted to result in a frameshift and premature protein termination (p.Thr3136Serfs*11). To our knowledge, this variant has not been reported in the literature or in a large population database, indicating this variant is rare. Frameshift variants in ALMS1 are expected to be pathogenic. This variant is interpreted as likely pathogenic.

NM_001378454.1(ALMS1):c.9403_9410del (p.Ser3135fs)

Gene: ALMS1 (ALMS1 centrosome and basal body associated protein; plus strand). Cytogenetic location: 2p13.1.
Variant type: Deletion.
Coding change: c.9403_9410del on transcript NM_001378454.1 (MANE Select); coding-DNA positions 9403 to 9410, 8 bases deleted (AGTAACAC; older notation c.9403_9410delAGTAACAC).
Protein change: p.Ser3135fs; shifts the reading frame from serine 3135.
Molecular consequence: frameshift variant.
Genome position (GRCh38, 1-based): chr2:73,491,362-73,491,369, AGTAACAC deleted; deleting any 8 consecutive bases within chr2:73,491,360-73,491,369 gives the same sequence; the c. name uses the placement nearest the transcript's 3' end. VCF-style (leftmost placement, unchanged base first): chr2-73491359-GACAGTAAC-G. GRCh37 (hg19) VCF-style: chr2-73718486-GACAGTAAC-G.
Other names: c.9406_9413del, p.Ser3136fs (NM_015120.4); c.9406_9413del8 (NM_015120.4); short protein forms S3135fs, S3136fs.
Identifiers: ClinVar variation 3349821 (VCV003349821.1).